The following is an entry in ClinVar:

ClinVar aggregate classification (germline): Uncertain significance (1 of 4 stars; one submission).

Submission:

Labcorp Genetics (formerly Invitae), Labcorp
Classification: Uncertain significance. Last evaluated: 2021-08-28. Review status: criteria provided, single submitter. Criteria: Invitae Variant Classification Sherloc (09022015). Collection method: clinical testing. Allele origin: germline.
Comment: This sequence change replaces isoleucine with threonine at codon 93 of the FH protein (p.Ile93Thr). The isoleucine residue is highly conserved and there is a moderate physicochemical difference between isoleucine and threonine. This variant is not present in population databases (ExAC no frequency). This variant has not been reported in the literature in individuals affected with FH-related conditions. Algorithms developed to predict the effect of missense changes on protein structure and function (SIFT, PolyPhen-2, Align-GVGD) all suggest that this variant is likely to be disruptive. In summary, the available evidence is currently insufficient to determine the role of this variant in disease. Therefore, it has been classified as a Variant of Uncertain Significance.

NM_000143.4(FH):c.278T>C (p.Ile93Thr)

Gene: FH (fumarate hydratase; minus strand). Cytogenetic location: 1q43.
Variant type: single nucleotide variant.
Coding change: c.278T>C on transcript NM_000143.4 (MANE Select); coding-DNA position 278, T replaced by C.
Protein change: p.Ile93Thr; replaces isoleucine 93 with threonine.
Molecular consequence: missense variant.
Genome position (GRCh38, 1-based): chr1:241,513,703, A>G on the plus strand (T>C on the coding strand, the complement: FH is on the minus strand). VCF-style: chr1-241513703-A-G. GRCh37 (hg19) VCF-style: chr1-241677003-A-G.
Other names: short protein forms I93T.
Identifiers: ClinVar variation 845532 (VCV000845532.6), dbSNP rs1660148233, ClinGen allele CA345441070.